The following is an entry in ClinVar:

NM_001232.4(CASQ2):c.319+1G>C

Gene: CASQ2 (calsequestrin 2; minus strand). Cytogenetic location: 1p13.1.
Variant type: single nucleotide variant.
Coding change: c.319+1G>C on transcript NM_001232.4 (MANE Select); the canonical splice donor site of the intron after coding-DNA position 319, G replaced by C.
Molecular consequence: splice donor variant.
Genome position (GRCh38, 1-based): chr1:115,744,827, C>G on the plus strand (G>C on the coding strand, the complement: CASQ2 is on the minus strand). VCF-style: chr1-115744827-C-G. GRCh37 (hg19) VCF-style: chr1-116287448-C-G.
Identifiers: ClinVar variation 1515619 (VCV001515619.9), dbSNP rs1459829853, ClinGen allele CA341765213.
Genomic context (GRCh38, chr1:115,744,827, plus strand): 5'-TTCCTTTTGCAAGACACATTCGTTTCTTTCCCACATACAGTATCTCAAAAATCACACTTA[C>G]CCAGTTTCTTGGCAAGCTTGGCTTCTTTCTTGGCATCCACCATCACAAAGCCTATAGCTT-3'

ClinVar aggregate classification (germline): Likely pathogenic (1 of 4 stars; one submission).

Conditions:
Catecholaminergic polymorphic ventricular tachycardia 1. Also called: RYR2-Related Catecholaminergic Polymorphic Ventricular Tachycardia; VENTRICULAR TACHYCARDIA, STRESS-INDUCED POLYMORPHIC 1; VENTRICULAR TACHYCARDIA, CATECHOLAMINERGIC POLYMORPHIC, 1, WITH OR WITHOUT ATRIAL DYSFUNCTION AND/OR DILATED CARDIOMYOPATHY. Identifiers: Orphanet 3286, MedGen C1631597, MONDO:0011484, OMIM 604772.

Allele frequency attached by ClinVar (database versions not stated): gnomAD exomes below 0.00001.
gnomAD v4.1: 1 of 1,608,624 alleles (0.000062%); highest among the groups gnomAD compares: East Asian, 0.0022%; no homozygotes.

Submission:

Labcorp Genetics (formerly Invitae), Labcorp
Classification: Likely pathogenic for Catecholaminergic polymorphic ventricular tachycardia 1. Last evaluated: 2022-03-23. Review status: criteria provided, single submitter. Criteria: Invitae Variant Classification Sherloc (09022015). Collection method: clinical testing. Allele origin: germline.
Comment: This sequence change affects a donor splice site in intron 2 of the CASQ2 gene. It is expected to disrupt RNA splicing. Variants that disrupt the donor or acceptor splice site typically lead to a loss of protein function (PMID: 16199547), and loss-of-function variants in CASQ2 are known to be pathogenic (PMID: 12386154). In summary, the currently available evidence indicates that the variant is pathogenic, but additional data are needed to prove that conclusively. Therefore, this variant has been classified as Likely Pathogenic. Algorithms developed to predict the effect of sequence changes on RNA splicing suggest that this variant may disrupt the consensus splice site. This variant has not been reported in the literature in individuals affected with CASQ2-related conditions. This variant is present in population databases (no rsID available, gnomAD 0.006%).

Literature cited by the submitters: PubMed 16199547; PubMed 12386154.